The following is an entry in ClinVar:

ClinVar aggregate classification (germline): Uncertain significance (1 of 4 stars; one submission).

Submission:

Labcorp Genetics (formerly Invitae), Labcorp
Classification: Uncertain significance. Last evaluated: 2025-03-05. Review status: criteria provided, single submitter. Criteria: Invitae Variant Classification Sherloc (09022015). Collection method: clinical testing. Allele origin: germline.
Comment: This sequence change replaces valine, which is neutral and non-polar, with glycine, which is neutral and non-polar, at codon 696 of the DMXL2 protein (p.Val696Gly). This variant is not present in population databases (gnomAD no frequency). This variant has not been reported in the literature in individuals affected with DMXL2-related conditions. An algorithm developed to predict the effect of missense changes on protein structure and function outputs the following: PolyPhen-2: "Benign". The glycine amino acid residue is found in multiple mammalian species, which suggests that this missense change does not adversely affect protein function. In summary, the available evidence is currently insufficient to determine the role of this variant in disease. Therefore, it has been classified as a Variant of Uncertain Significance.

NM_001378457.1(DMXL2):c.2087T>G (p.Val696Gly)

Gene: DMXL2 (Dmx like 2; minus strand). Cytogenetic location: 15q21.2.
Variant type: single nucleotide variant.
Coding change: c.2087T>G on transcript NM_001378457.1 (MANE Select); coding-DNA position 2087, T replaced by G.
Protein change: p.Val696Gly; replaces valine 696 with glycine.
Molecular consequence: missense variant. On other transcripts: non-coding transcript variant (2).
Genome position (GRCh38, 1-based): chr15:51,536,393, A>C on the plus strand (T>G on the coding strand, the complement: DMXL2 is on the minus strand). VCF-style: chr15-51536393-A-C. GRCh37 (hg19) VCF-style: chr15-51828590-A-C.
Other names: c.2087T>G, p.Val696Gly (NM_001174116.3, NM_001174117.3, NM_001378458.1 and 6 more transcripts); c.1847T>G, p.Val616Gly (NM_001378464.1); short protein forms V696G, V616G.
Identifiers: ClinVar variation 3681503 (VCV003681503.2).
Genomic context (GRCh38, chr15:51,536,393, plus strand): 5'-TGAAATGTACGAGTTGCTGCATTTCTAAGAGGTTGTTTCGAGGAACCTTTTATATGTTTT[A>C]CAGGGTCCATTAATCTACTTAATTTATTGTCTGAGTCCCACTGACAATCTAATTCAGGAG-3'
Protein context (NP_001365386.1, residues 686-706): DNKLSRLMDP[Val696Gly]KHIKGSSKQP